The following is an entry in ClinVar:

NM_032217.5(ANKRD17):c.3751_3754del (p.Asn1251fs)

Gene: ANKRD17 (ankyrin repeat domain 17; minus strand). Cytogenetic location: 4q13.3.
Variant type: Deletion.
Coding change: c.3751_3754del on transcript NM_032217.5 (MANE Select); coding-DNA positions 3751 to 3754, 4 bases deleted (AATC; older notation c.3751_3754delAATC).
Protein change: p.Asn1251fs; shifts the reading frame from asparagine 1251.
Molecular consequence: frameshift variant.
Genome position (GRCh38, 1-based): chr4:73,120,976-73,120,979, GATT deleted on the plus strand (AATC on the coding strand, the reverse complement: ANKRD17 is on the minus strand); deleting any 4 consecutive bases within chr4:73,120,976-73,120,980 gives the same sequence; the c. name uses the placement nearest the transcript's 3' end. VCF-style (leftmost placement, unchanged base first): chr4-73120975-CGATT-C. GRCh37 (hg19) VCF-style: chr4-73986692-CGATT-C.
Other names: c.3412_3415del, p.Asn1138fs (NM_001286771.3); c.3748_3751del, p.Asn1250fs (NM_015574.2); c.2998_3001del, p.Asn1000fs (NM_198889.3); short protein forms N1000fs, N1138fs, N1250fs, N1251fs.
Identifiers: ClinVar variation 976319 (VCV000976319.3), dbSNP rs1726649573, ClinGen allele CA1139658519.

ClinVar aggregate classification (germline): Pathogenic (1 of 4 stars; one submission).

Conditions:
Chopra-Amiel-Gordon syndrome (CAGS). Also called: ANKRD17-Related Neurodevelopmental Syndrome. Identifiers: MedGen C5561975, MONDO:0859186, OMIM 619504.

Submission:

Institute of Human Genetics, University of Leipzig Medical Center
Classification: Pathogenic for Chopra-Amiel-Gordon syndrome. Last evaluated: 2026-03-24. Review status: criteria provided, single submitter. Criteria: ACMG Guidelines, 2015. Collection method: clinical testing. Allele origin: de novo. Inheritance: Autosomal dominant inheritance. Affected: yes.
Comment: Criteria applied: PVS1,PS2_MOD,PM2